The following is an entry in ClinVar:

NM_001386795.1(DTNA):c.2309G>A (p.Gly770Asp)

Gene: DTNA (dystrobrevin alpha; plus strand). Cytogenetic location: 18q12.1.
Variant type: single nucleotide variant.
Coding change: c.2309G>A on transcript NM_001386795.1 (MANE Select); coding-DNA position 2309, G replaced by A.
Protein change: p.Gly770Asp; replaces glycine 770 with aspartic acid.
Molecular consequence: missense variant. On other transcripts: intron variant (2).
Genome position (GRCh38, 1-based): chr18:34,884,741, G>A. VCF-style: chr18-34884741-G-A. GRCh37 (hg19) VCF-style: chr18-32464705-G-A.
Other names: c.2054G>A, p.Gly685Asp (NM_001386762.1); c.2048G>A, p.Gly683Asp (NM_001386763.1, NM_001386764.1, NM_001386765.1 and 3 more transcripts); c.2309G>A, p.Gly770Asp (NM_001386788.1); c.2228G>A, p.Gly743Asp (NM_001390.5); c.2057G>A, p.Gly686Asp (NM_032975.4, NM_001386761.1); c.1172G>A, p.Gly391Asp (NM_032980.4); c.2034+2540G>A (NM_001198938.2, NM_001386753.1); c.2138G>A, p.Gly713Asp (NM_001386758.1, NM_001386759.1, NM_001386754.1 and 3 more transcripts); and 6 more; short protein forms G686D, G743D, G683D, G690D, G452D, G391D, G395D, G433D.
Identifiers: ClinVar variation 373529 (VCV000373529.1), dbSNP rs1057518465, ClinGen allele CA16043052.

ClinVar aggregate classification (germline): Uncertain significance (1 of 4 stars; one submission).

Submission:

GeneDx
Classification: Uncertain significance. Last evaluated: 2016-11-23. Review status: criteria provided, single submitter. Criteria: GeneDx Variant Classification (06012015). Collection method: clinical testing. Allele origin: germline. Affected: yes.
Comment: A variant of uncertain significance has been identified in the DTNA gene. The G743D variant has not been published as a pathogenic variant, nor has it been reported as a benign variant to our knowledge. The G743D variant was not observed in approximately 6500 individuals of European and African American ancestry in the NHLBI Exome Sequencing Project, indicating it is not a common benign variant in these populations. The G743D variant is a non-conservative amino acid substitution, which is likely to impact secondary protein structure as these residues differ in polarity, charge, size and/or other properties. This substitution occurs at a position that is conserved in mammals. In silico analysis is inconsistent in its predictions as to whether or not the variant is damaging to the protein structure/function